The following is an entry in ClinVar:

ClinVar aggregate classification (germline): Uncertain significance (1 of 4 stars; one submission).

gnomAD v4.1: 1 of 1,614,216 alleles (0.000062%); highest among the groups gnomAD compares: Non-Finnish European, 0.000085%; no homozygotes.

Submission:

GeneDx
Classification: Uncertain significance. Last evaluated: 2026-02-10. Review status: criteria provided, single submitter. Criteria: GeneDx Variant Classification Process June 2021. Collection method: clinical testing. Allele origin: germline.
Comment: Not observed at significant frequency in large population cohorts (gnomAD); In silico analysis supports that this missense variant has a deleterious effect on protein structure/function; Has not been previously published as pathogenic or benign to our knowledge

NM_005909.5(MAP1B):c.3595G>A (p.Asp1199Asn)

Gene: MAP1B (microtubule associated protein 1B; plus strand). Cytogenetic location: 5q13.2.
Variant type: single nucleotide variant.
Coding change: c.3595G>A on transcript NM_005909.5 (MANE Select); coding-DNA position 3595, G replaced by A.
Protein change: p.Asp1199Asn; replaces aspartic acid 1199 with asparagine.
Molecular consequence: missense variant.
Genome position (GRCh38, 1-based): chr5:72,196,950, G>A. VCF-style: chr5-72196950-G-A. GRCh37 (hg19) VCF-style: chr5-71492777-G-A.
Other names: c.3217G>A, p.Asp1073Asn (NM_001324255.2); short protein forms D1073N, D1199N.
Identifiers: ClinVar variation 4976211 (VCV004976211.1).